The following is an entry in ClinVar:

NM_000038.6(APC):c.421A>G (p.Arg141Gly)

Gene: APC (APC regulator of Wnt signaling pathway; plus strand). Cytogenetic location: 5q22.2.
Variant type: single nucleotide variant.
Coding change: c.421A>G on transcript NM_000038.6 (MANE Select); coding-DNA position 421, A replaced by G.
Protein change: p.Arg141Gly; replaces arginine 141 with glycine.
Molecular consequence: missense variant. On other transcripts: 5 prime UTR variant (1).
Genome position (GRCh38, 1-based): chr5:112,767,389, A>G. VCF-style: chr5-112767389-A-G. GRCh37 (hg19) VCF-style: chr5-112103086-A-G.
Other names: c.421A>G, p.Arg141Gly (NM_001127510.3, NM_001354895.2, NM_001354896.2 and 2 more transcripts); c.451A>G, p.Arg151Gly (NM_001127511.3, NM_001354897.2, NM_001354902.2); c.346A>G, p.Arg116Gly (NM_001354898.2, NM_001354904.2); c.244A>G, p.Arg82Gly (NM_001354900.2, NM_001354901.2, NM_001354905.2); c.-615A>G (NM_001354906.2); short protein forms R116G, R141G, R151G, R82G.
Identifiers: ClinVar variation 861553 (VCV000861553.13), dbSNP rs1561465195, ClinGen allele CA16022243.

ClinVar aggregate classification (germline): Uncertain significance. Review status: criteria provided, multiple submitters, no conflicts (2 of 4 stars). 3 submissions from 3 submitters: Uncertain significance (3). Last evaluated 2025-05-29.

Conditions:
Hereditary cancer-predisposing syndrome. Also called: Tumor predisposition; Hereditary neoplastic syndrome; Neoplastic Syndromes, Hereditary; Hereditary Cancer Syndrome. Identifiers: Orphanet 140162, MedGen C0027672, MeSH D009386, MONDO:0015356.
Classic or attenuated familial adenomatous polyposis. Identifiers: MedGen CN372698, MONDO:0021057.
Familial adenomatous polyposis 1 (FAP1). Also called: POLYPOSIS, ADENOMATOUS INTESTINAL; FAMILIAL ADENOMATOUS POLYPOSIS 1, ATTENUATED. Identifiers: MedGen C2713442, MONDO:0021056, OMIM 175100. Disease mechanism: loss of function.

Allele frequency attached by ClinVar (database versions not stated): gnomAD exomes below 0.00001.
gnomAD v4.1: 3 of 1,612,526 alleles (0.00019%); highest among the groups gnomAD compares: Non-Finnish European, 0.000085%; no homozygotes.

Submissions (3):

Ambry Genetics
Classification: Uncertain significance for Hereditary cancer-predisposing syndrome. Last evaluated: 2025-05-29. Review status: criteria provided, single submitter. Criteria: Ambry Variant Classification Scheme 2023. Collection method: clinical testing. Allele origin: germline.
Comment: The p.R141G variant (also known as c.421A>G), located in coding exon 3 of the APC gene, results from an A to G substitution at nucleotide position 421. The arginine at codon 141 is replaced by glycine, an amino acid with dissimilar properties. This amino acid position is highly conserved in available vertebrate species. Based on the available evidence, the clinical significance of this variant remains unclear.

All of Us Research Program, National Institutes of Health
Classification: Uncertain significance for Classic or attenuated familial adenomatous polyposis. Last evaluated: 2023-12-18. Review status: criteria provided, single submitter. Criteria: ACMG Guidelines, 2015. Collection method: clinical testing. Allele origin: germline. Inheritance: Autosomal dominant inheritance. Observed: 1 variant allele, 1 heterozygote.
Comment: This missense variant replaces arginine with glycine at codon 141 of the APC protein. Computational prediction suggests that this variant may have deleterious impact on protein structure and function (internally defined REVEL score threshold >= 0.7, PMID: 27666373). To our knowledge, functional studies have not been reported for this variant. This variant has not been reported in individuals affected with APC-related disorders in the literature. This variant has been identified in 1/251366 chromosomes in the general population by the Genome Aggregation Database (gnomAD). The available evidence is insufficient to determine the role of this variant in disease conclusively. Therefore, this variant is classified as a Variant of Uncertain Significance.

This study involves interpretation of variants in research participants for the purpose of population health screening. Participant phenotype was not available at the time of variant classification. Additional details can be found in publication PMID: 35346344, PMCID: PMC8962531

Labcorp Genetics (formerly Invitae), Labcorp
Classification: Uncertain significance for Familial adenomatous polyposis 1. Last evaluated: 2019-04-03. Review status: criteria provided, single submitter. Criteria: Invitae Variant Classification Sherloc (09022015). Collection method: clinical testing. Allele origin: germline.
Comment: This variant is not present in population databases (ExAC no frequency). This sequence change replaces arginine with glycine at codon 141 of the APC protein (p.Arg141Gly). The arginine residue is highly conserved and there is a moderate physicochemical difference between arginine and glycine. This variant has not been reported in the literature in individuals with APC-related conditions. In summary, the available evidence is currently insufficient to determine the role of this variant in disease. Therefore, it has been classified as a Variant of Uncertain Significance. Algorithms developed to predict the effect of sequence changes on RNA splicing suggest that this variant may disrupt the consensus splice site, but this prediction has not been confirmed by published transcriptional studies. Algorithms developed to predict the effect of missense changes on protein structure and function (SIFT, PolyPhen-2, Align-GVGD) all suggest that this variant is likely to be disruptive, but these predictions have not been confirmed by published functional studies and their clinical significance is uncertain.